The following is an entry in ClinVar:

ClinVar aggregate classification (germline): Uncertain significance (1 of 4 stars; one submission).

Conditions:
Isovaleryl-CoA dehydrogenase deficiency (IVA). Also called: ISOVALERIC ACID CoA DEHYDROGENASE DEFICIENCY; Classic Isovaleric Acidemia; IVD DEFICIENCY; Isovaleric acidemia. Identifiers: Orphanet 33, MedGen C0268575, MONDO:0009475, OMIM 243500.

Submission:

Pediatric Neurology Unit, Advanced Pediatric Centre, Postgraduate Institute of Medical Education and Research (PGIMER)
Classification: Uncertain significance for Isovaleryl-CoA dehydrogenase deficiency. Review status: criteria provided, single submitter. Criteria: ACMG Guidelines, 2015. Collection method: clinical testing. Allele origin: germline. Inheritance: Autosomal recessive inheritance. Affected: yes.
Comment: A Novel Heterozygous Missense variant c.1043A>T in Exon 10 of the IVD gene that results in the amino acid substitution p.Asp348Val was identified. Due to lack of supporting evidence, as per ACMG guidelines, classified as variant of uncertain significance (PM2, PP3, PP4).

NM_002225.5(IVD):c.1043A>T (p.Asp348Val)

Gene: IVD (isovaleryl-CoA dehydrogenase; plus strand). Cytogenetic location: 15q15.1.
Variant type: single nucleotide variant.
Coding change: c.1043A>T on transcript NM_002225.5 (MANE Select); coding-DNA position 1043, A replaced by T.
Protein change: p.Asp348Val; replaces aspartic acid 348 with valine.
Molecular consequence: missense variant. On other transcripts: non-coding transcript variant (1).
Genome position (GRCh38, 1-based): chr15:40,416,160, A>T. VCF-style: chr15-40416160-A-T. GRCh37 (hg19) VCF-style: chr15-40708359-A-T.
Other names: c.1043A>T; c.953A>T, p.Asp318Val (NM_001159508.3); c.995A>T, p.Asp332Val (NM_001354597.3); c.1043A>T, p.Asp348Val (NM_001354598.3, NM_001354601.3); c.1130A>T, p.Asp377Val (NM_001354599.3, NM_001354600.3); short protein forms D318V, D332V, D348V, D377V.
Identifiers: ClinVar variation 4814014 (VCV004814014.1).
Genomic context (GRCh38, chr15:40,416,160, plus strand): 5'-ACATGTACACCCGCCTCATGGCGTGTCGGCAGTATGTCTACAATGTCGCCAAGGCCTGCG[A>T]TGAGGGCCATTGCACTGCTAAGGTGAGGGCCAGCCTCAGTCGGGGAGAGGCGGGGGCAGT-3'
Protein context (NP_002216.3, residues 338-358): QYVYNVAKAC[Asp348Val]EGHCTAKDCA